The following is an entry in ClinVar:

ClinVar aggregate classification (germline): Pathogenic (1 of 4 stars; one submission).

Conditions:
Ataxia-telangiectasia syndrome (AT). Also called: LOUIS-BAR SYNDROME; Cerebello-oculocutaneous telangiectasia; Immunodeficiency with ataxia telangiectasia; ATAXIA-TELANGIECTASIA, COMPLEMENTATION GROUP A; ATAXIA-TELANGIECTASIA, FRESNO VARIANT; Ataxia-telangiectasia, complementation group D. Identifiers: Orphanet 100, MedGen C0004135, MONDO:0008840, OMIM 208900.

Submission:

Labcorp Genetics (formerly Invitae), Labcorp
Classification: Pathogenic for Ataxia-telangiectasia syndrome. Last evaluated: 2024-08-20. Review status: criteria provided, single submitter. Criteria: Invitae Variant Classification Sherloc (09022015). Collection method: clinical testing. Allele origin: germline.
Comment: This sequence change creates a premature translational stop signal (p.Asn1784Serfs*7) in the ATM gene. It is expected to result in an absent or disrupted protein product. Loss-of-function variants in ATM are known to be pathogenic (PMID: 23807571, 25614872). This variant is not present in population databases (gnomAD no frequency). This variant has not been reported in the literature in individuals affected with ATM-related conditions. For these reasons, this variant has been classified as Pathogenic.

Literature cited by the submitters: PubMed 23807571; PubMed 25614872.

NM_000051.4(ATM):c.5350_5351insGTGGAAATTTTTTGTTATGATGTCTGTGTGGAAAGCGGCTGTGCAGACATTCAATTGTTATTATTATGTCCTACAAGCATTAATTAATTAACACACTTTAGTAGGTATGTTCGCCTGTAATATTGAACGTAGGTGCGATAAATAATAGGATGGGGCAGGAATCAAAGACAGATACTGCGACATAGGGTGCTCCGGCTCCAGCGTCTCGCAATGCTATCGCGTGC (p.Asn1784delinsSerGlyAsnPheLeuLeuTer)

Gene: ATM (ATM serine/threonine kinase; plus strand). Cytogenetic location: 11q22.3.
Variant type: Insertion.
Coding change: c.5350_5351insGTGGAAATTTTTTGTTATGATGTCTGTGTGGAAAGCGGCTGTGCAGACATTCAATTGTTATTATTATGTCCTACAAGCATTAATTAATTAACACACTTTAGTAGGTATGTTCGCCTGTAATATTGAACGTAGGTGCGATAAATAATAGGATGGGGCAGGAATCAAAGACAGATACTGCGACATAGGGTGCTCCGGCTCCAGCGTCTCGCAATGCTATCGCGTGC on transcript NM_000051.4 (MANE Select); coding-DNA positions 5350 to 5351, GTGGAAATTTTTTGTTATGATGTCTGTGTGGAAAGCGGCTGTGCAGACATTCAATTGTTATTATTATGTCCTACAAGCATTAATTAATTAACACACTTTAGTAGGTATGTTCGCCTGTAATATTGAACGTAGGTGCGATAAATAATAGGATGGGGCAGGAATCAAAGACAGATACTGCGACATAGGGTGCTCCGGCTCCAGCGTCTCGCAATGCTATCGCGTGC inserted.
Protein change: p.Asn1784delinsSerGlyAsnPheLeuLeuTer.
Molecular consequence: nonsense.
Genome position: GRCh38: chr11:108,302,883-108,302,884. GRCh37 (hg19): chr11:108,173,610-108,173,611.
Other names: c.5350_5351insGTGGAAATTTTTTGTTATGATGTCTGTGTGGAAAGCGGCTGTGCAGACATTCAATTGTTATTATTATGTCCTACAAGCATTAATTAATTAACACACTTTAGTAGGTATGTTCGCCTGTAATATTGAACGTAGGTGCGATAAATAATAGGATGGGGCAGGAATCAAAGACAGATACTGCGACATAGGGTGCTCCGGCTCCAGCGTCTCGCAATGCTATCGCGTGC, p.Asn1784delinsSerGlyAsnPheLeuLeuTer (NM_001351834.2).
Identifiers: ClinVar variation 3663044 (VCV003663044.2).